The following is an entry in ClinVar:

ClinVar aggregate classification (germline): Uncertain significance. Review status: criteria provided, multiple submitters, no conflicts (2 of 4 stars). 3 submissions from 3 submitters: Uncertain significance (3). Last evaluated 2023-10-28.

Allele frequency attached by ClinVar (database versions not stated): gnomAD exomes below 0.00001; gnomAD 0.00001; TOPMed 0.00001.
gnomAD v4.1: 3 of 1,612,768 alleles (0.00019%); highest among the groups gnomAD compares: Non-Finnish European, 0.00025%; no homozygotes.

Submissions (3):

Labcorp Genetics (formerly Invitae), Labcorp
Classification: Uncertain significance. Last evaluated: 2023-10-28. Review status: criteria provided, single submitter. Criteria: Invitae Variant Classification Sherloc (09022015). Collection method: clinical testing. Allele origin: germline.
Comment: This sequence change replaces serine, which is neutral and polar, with glycine, which is neutral and non-polar, at codon 60 of the SRP72 protein (p.Ser60Gly). This variant is not present in population databases (gnomAD no frequency). This variant has not been reported in the literature in individuals affected with SRP72-related conditions. ClinVar contains an entry for this variant (Variation ID: 1915724). Advanced modeling of protein sequence and biophysical properties (such as structural, functional, and spatial information, amino acid conservation, physicochemical variation, residue mobility, and thermodynamic stability) performed at Invitae indicates that this missense variant is not expected to disrupt SRP72 protein function with a negative predictive value of 80%. In summary, the available evidence is currently insufficient to determine the role of this variant in disease. Therefore, it has been classified as a Variant of Uncertain Significance.

GeneDx
Classification: Uncertain significance. Last evaluated: 2023-03-06. Review status: criteria provided, single submitter. Criteria: GeneDx Variant Classification Process June 2021. Collection method: clinical testing. Allele origin: germline. Affected: yes.
Comment: Not observed at significant frequency in large population cohorts (gnomAD); In silico analysis supports that this missense variant does not alter protein structure/function; Has not been previously published as pathogenic or benign to our knowledge; This variant is associated with the following publications: (PMID: 28369529, 27899666)

Ambry Genetics
Classification: Uncertain significance. Last evaluated: 2022-09-14. Review status: criteria provided, single submitter. Criteria: Ambry Variant Classification Scheme 2023. Collection method: clinical testing. Allele origin: germline.

NM_006947.4(SRP72):c.178A>G (p.Ser60Gly)

Gene: SRP72 (signal recognition particle 72; plus strand). Cytogenetic location: 4q12.
Variant type: single nucleotide variant.
Coding change: c.178A>G on transcript NM_006947.4 (MANE Select); coding-DNA position 178, A replaced by G.
Protein change: p.Ser60Gly; replaces serine 60 with glycine.
Molecular consequence: missense variant. On other transcripts: non-coding transcript variant (1).
Genome position (GRCh38, 1-based): chr4:56,469,721, A>G. VCF-style: chr4-56469721-A-G. GRCh37 (hg19) VCF-style: chr4-57335887-A-G.
Other names: c.178A>G, p.Ser60Gly (NM_001267722.2); short protein forms S60G.
Identifiers: ClinVar variation 1915724 (VCV001915724.7), dbSNP rs1256878810, ClinGen allele CA356995872.